The following is an entry in ClinVar:

NM_001386140.1(MTTP):c.635C>A (p.Ser212Ter)

Gene: MTTP (microsomal triglyceride transfer protein; plus strand). Cytogenetic location: 4q23.
Variant type: single nucleotide variant.
Coding change: c.635C>A on transcript NM_001386140.1 (MANE Select); coding-DNA position 635, C replaced by A.
Protein change: p.Ser212Ter; replaces serine 212 with a stop codon.
Molecular consequence: nonsense.
Genome position (GRCh38, 1-based): chr4:99,591,667, C>A. VCF-style: chr4-99591667-C-A. GRCh37 (hg19) VCF-style: chr4-100512824-C-A.
Other names: c.635C>A, p.Ser212Ter (NM_000253.4); c.386C>A, p.Ser129Ter (NM_001300785.2); short protein forms S129*, S212*.
Identifiers: ClinVar variation 1951879 (VCV001951879.5), dbSNP rs75621801, ClinGen allele CA102624842.

ClinVar aggregate classification (germline): Pathogenic (1 of 4 stars; one submission).

Submission:

Labcorp Genetics (formerly Invitae), Labcorp
Classification: Pathogenic. Last evaluated: 2022-11-16. Review status: criteria provided, single submitter. Criteria: Invitae Variant Classification Sherloc (09022015). Collection method: clinical testing. Allele origin: germline.
Comment: For these reasons, this variant has been classified as Pathogenic. This variant has not been reported in the literature in individuals affected with MTTP-related conditions. This variant is not present in population databases (gnomAD no frequency). This sequence change creates a premature translational stop signal (p.Ser212*) in the MTTP gene. It is expected to result in an absent or disrupted protein product. Loss-of-function variants in MTTP are known to be pathogenic (PMID: 8533758, 9671739).

Literature cited by the submitters: PubMed 8533758; PubMed 9671739.